The following is an entry in ClinVar:

NM_006218.4(PIK3CA):c.1837G>A (p.Gly613Ser)

Gene: PIK3CA (phosphatidylinositol-4,5-bisphosphate 3-kinase catalytic subunit alpha; plus strand). Cytogenetic location: 3q26.32.
Variant type: single nucleotide variant.
Coding change: c.1837G>A on transcript NM_006218.4 (MANE Select); coding-DNA position 1837, G replaced by A.
Protein change: p.Gly613Ser; replaces glycine 613 with serine.
Molecular consequence: missense variant.
Genome position (GRCh38, 1-based): chr3:179,219,661, G>A. VCF-style: chr3-179219661-G-A. GRCh37 (hg19) VCF-style: chr3-178937449-G-A.
Other names: short protein forms G613S.
Identifiers: ClinVar variation 135036 (VCV000135036.1), dbSNP rs3908108, ClinGen allele CA161484.

ClinVar aggregate classification (germline): not provided (0 of 4 stars; one submission).

Submission:

ITMI
No classification provided. Condition: AllHighlyPenetrant. Last evaluated: 2013-09-19. Review status: no classification provided. Collection method: reference population. Allele origin: germline.
Comment: Please see associated publication for description of ethnicities

Literature cited by the submitters: PubMed 24728327.